The following is an entry in ClinVar:

ClinVar aggregate classification (germline): Benign (0 of 4 stars; one submission).

Conditions:
SEMA3C-related disorder. Also called: SEMA3C-related condition.

Allele frequency attached by ClinVar (database versions not stated): 1000 Genomes Project 30x 0.84931; 1000 Genomes Project 0.85224; TOPMed 0.90241; gnomAD 0.91129; ESP Exome Variant Server 0.91572; ExAC 0.94141; gnomAD exomes 0.97684.
gnomAD v4.1: 1,563,493 of 1,611,996 alleles (97%); highest among the groups gnomAD compares: Non-Finnish European, 99%; 761,424 homozygotes.

Submission:

PreventionGenetics, part of Exact Sciences
Classification: Benign for SEMA3C-related condition. Last evaluated: 2022-07-19. Review status: no assertion criteria provided. Collection method: clinical testing. Allele origin: germline.
Comment: This variant is classified as benign based on ACMG/AMP sequence variant interpretation guidelines (Richards et al. 2015 PMID: 25741868, with internal and published modifications).

NM_006379.5(SEMA3C):c.1737C>G (p.Val579=)

Gene: SEMA3C (semaphorin 3C; minus strand). Cytogenetic location: 7q21.11.
Variant type: single nucleotide variant.
Coding change: c.1737C>G on transcript NM_006379.5 (MANE Select); coding-DNA position 1737, C replaced by G.
Protein change: p.Val579=; no amino-acid change (valine 579 retained).
Molecular consequence: synonymous variant.
Genome position (GRCh38, 1-based): chr7:80,749,003, G>C on the plus strand (C>G on the coding strand, the complement: SEMA3C is on the minus strand). VCF-style: chr7-80749003-G-C. GRCh37 (hg19) VCF-style: chr7-80378319-G-C.
Other names: c.1791C>G, p.Val597= (NM_001350120.2); c.1563C>G, p.Val521= (NM_001350121.2).
Identifiers: ClinVar variation 3060860 (VCV003060860.2), dbSNP rs2272351, ClinGen allele CA4315992.